The following is an entry in ClinVar:

NM_000097.7(CPOX):c.755C>T (p.Pro252Leu)

Gene: CPOX (coproporphyrinogen oxidase; minus strand). Cytogenetic location: 3q11.2.
Variant type: single nucleotide variant.
Coding change: c.755C>T on transcript NM_000097.7 (MANE Select); coding-DNA position 755, C replaced by T.
Protein change: p.Pro252Leu; replaces proline 252 with leucine.
Molecular consequence: missense variant.
Genome position (GRCh38, 1-based): chr3:98,590,688, G>A on the plus strand (C>T on the coding strand, the complement: CPOX is on the minus strand). VCF-style: chr3-98590688-G-A. GRCh37 (hg19) VCF-style: chr3-98309532-G-A.
Other names: c.755C>T (NM_000097.5); short protein forms P252L.
Identifiers: ClinVar variation 2110857 (VCV002110857.5), dbSNP rs776021149, ClinGen allele CA2511620.
Genomic context (GRCh38, chr3:98,590,688, plus strand): 5'-TTACCATCAGCTTCTTCTACTTCAAAGTATCTGTAGTTGAAATGGATAGTAGGAGCATGA[G>A]GATTCTTGGGGTGGATAACAGAGCTCACGCCCATAGCACAAAATGGCAATTTACCTGGAA-3'
Protein context (NP_000088.3, residues 242-262): GVSSVIHPKN[Pro252Leu]HAPTIHFNYR

ClinVar aggregate classification (germline): Uncertain significance. Review status: criteria provided, multiple submitters, no conflicts (2 of 4 stars). 2 submissions from 2 submitters: Uncertain significance (2). Last evaluated 2026-03-03.

Conditions:
Inborn genetic diseases. Identifiers: MedGen C0950123, MeSH D030342.

Allele frequency attached by ClinVar (database versions not stated): ExAC 0.00001.

Submissions (2):

Ambry Genetics
Classification: Uncertain significance for Inborn genetic diseases. Last evaluated: 2026-03-03. Review status: criteria provided, single submitter. Criteria: Ambry Variant Classification Scheme 2023. Collection method: clinical testing. Allele origin: germline.
Comment: The c.755C>T (p.P252L) alteration is located in exon 3 (coding exon 3) of the CPOX gene. This alteration results from a C to T substitution at nucleotide position 755, causing the proline (P) at amino acid position 252 to be replaced by a leucine (L). Based on data from gnomAD, the T allele has an overall frequency of <0.001% (1/251464) total alleles studied. The highest observed frequency was 0.006% (1/16254) of African alleles. Based on insufficient or conflicting evidence, the clinical significance of this alteration remains unclear.

Labcorp Genetics (formerly Invitae), Labcorp
Classification: Uncertain significance. Last evaluated: 2022-04-07. Review status: criteria provided, single submitter. Criteria: Invitae Variant Classification Sherloc (09022015). Collection method: clinical testing. Allele origin: germline.
Comment: In summary, the available evidence is currently insufficient to determine the role of this variant in disease. Therefore, it has been classified as a Variant of Uncertain Significance. Algorithms developed to predict the effect of missense changes on protein structure and function (SIFT, PolyPhen-2, Align-GVGD) all suggest that this variant is likely to be disruptive. This missense change has been observed in individual(s) with clinical features of coproporphyria (Invitae). This variant is present in population databases (rs776021149, gnomAD 0.007%). This sequence change replaces proline, which is neutral and non-polar, with leucine, which is neutral and non-polar, at codon 252 of the CPOX protein (p.Pro252Leu).